The following is an entry in ClinVar:

ClinVar aggregate classification (germline): Pathogenic. Review status: criteria provided, multiple submitters, no conflicts (2 of 4 stars). 7 submissions from 7 submitters: Pathogenic (7). Last evaluated 2023-12-12.

Conditions:
GRN-related disorder. Also called: GRN-related condition; GRN-related disorders.
GRN-related frontotemporal lobar degeneration with Tdp43 inclusions (FTD2). Also called: GRN Frontotemporal Dementia; FRONTOTEMPORAL LOBAR DEGENERATION WITH UBIQUITIN-POSITIVE INCLUSIONS; FTLD-TDP, GRN-RELATED; FRONTOTEMPORAL DEMENTIA WITH TDP43 INCLUSIONS, GRN-RELATED; DEMENTIA, HEREDITARY DYSPHASIC DISINHIBITION. Identifiers: Orphanet 100070, Orphanet 282, MedGen C1843792, MONDO:0011842, OMIM 607485. Disease mechanism: loss of function.
Neuronal ceroid lipofuscinosis 11. Also called: GRN-Related Neuronal Ceroid-Lipofuscinosis. Identifiers: Orphanet 314629, Orphanet 79262, MedGen C3539123, MONDO:0013866, OMIM 614706.

Submissions (7):

Blueprint Genetics
Classification: Pathogenic for GRN-related disorders. Last evaluated: 2023-12-12. Review status: criteria provided, single submitter. Criteria: ACMG Guidelines, 2015. Collection method: clinical testing. Allele origin: germline. Affected: yes. Observed: 2 variant alleles.

GeneDx
Classification: Pathogenic. Last evaluated: 2023-11-06. Review status: criteria provided, single submitter. Criteria: GeneDx Variant Classification Process June 2021. Collection method: clinical testing. Allele origin: germline. Affected: yes.
Comment: Nonsense variant predicted to result in protein truncation or nonsense mediated decay in a gene for which loss of function is a known mechanism of disease; Not observed at significant frequency in large population cohorts (gnomAD); This variant is associated with the following publications: (PMID: 25525159, 33486486, 30599136, 18234697, 18543312, Kennedy2023[Abstract], 19884572, 31031559, 31914217, 21482928, 27082848, 27311648)

Molecular Genetics, Royal Melbourne Hospital
Classification: Pathogenic for GRN-related frontotemporal lobar degeneration with Tdp43 inclusions. Last evaluated: 2023-03-30. Review status: criteria provided, single submitter. Criteria: ACMG Guidelines, 2015. Collection method: clinical testing. Allele origin: germline. Affected: yes.
Comment: This sequence change in GRN is a nonsense variant predicted to cause a premature stop codon, p.(Gln300*), in biologically relevant exon 9/13 leading to nonsense-mediated decay in a gene in which loss of function is an established disease mechanism (PMID: 16862116, 16862115, 22608501). This variant is absent from the population database gnomAD v2.1 and v3.1. This variant has been reported in multiple probands with frontotemporal dementia (PMID: 18234697, 27311648). Based on the classification scheme RMH Modified ACMG Guidelines v1.5.1, this variant is classified as PATHOGENIC. Following criteria are met: PVS1, PS4_Supporting, PM2_Supporting.

Suna and Inan Kirac Foundation Neurodegeneration Research Laboratory, Koc University
Classification: Pathogenic for GRN-related frontotemporal lobar degeneration with Tdp43 inclusions. Last evaluated: 2023-03-21. Review status: criteria provided, single submitter. Criteria: ACMG Guidelines, 2015. Collection method: research. Allele origin: germline. Affected: yes. Observed: 1 variant allele.

Labcorp Genetics (formerly Invitae), Labcorp
Classification: Pathogenic for Neuronal ceroid lipofuscinosis 11; GRN-related frontotemporal lobar degeneration with Tdp43 inclusions. Last evaluated: 2022-09-09. Review status: criteria provided, single submitter. Criteria: Invitae Variant Classification Sherloc (09022015). Collection method: clinical testing. Allele origin: germline.
Comment: This premature translational stop signal has been observed in individual(s) with behavioral variant frontotemporal dementia or primary progressive aphasia (PMID: 18234697, 19884572, 21482928, 27082848, 27311648). For these reasons, this variant has been classified as Pathogenic. ClinVar contains an entry for this variant (Variation ID: 447479). This variant is not present in population databases (gnomAD no frequency). This sequence change creates a premature translational stop signal (p.Gln300*) in the GRN gene. It is expected to result in an absent or disrupted protein product. Loss-of-function variants in GRN are known to be pathogenic (PMID: 16862116, 16950801, 22608501).

CeGaT Center for Human Genetics Tuebingen
Classification: Pathogenic. Last evaluated: 2020-09-01. Review status: criteria provided, single submitter. Criteria: CeGaT Center For Human Genetics Tuebingen Variant Classification Criteria Version 2. Collection method: clinical testing. Allele origin: germline. Affected: yes. Observed: 1 variant allele.

Athena Diagnostics
Classification: Pathogenic. Last evaluated: 2016-08-17. Review status: criteria provided, single submitter. Criteria: Athena Diagnostics Criteria. Collection method: clinical testing. Allele origin: germline.

Literature cited by the submitters: PubMed 16862115 (cited by Molecular Genetics, Royal Melbourne Hospital); PubMed 16862116 (cited by Molecular Genetics, Royal Melbourne Hospital and Labcorp Genetics (formerly Invitae), Labcorp); PubMed 18234697 (cited by 3 submitters); PubMed 22608501 (cited by Molecular Genetics, Royal Melbourne Hospital and Labcorp Genetics (formerly Invitae), Labcorp); PubMed 27311648 (cited by 3 submitters); PubMed 18703462 (cited by Suna and Inan Kirac Foundation Neurodegeneration Research Laboratory, Koc University); PubMed 19884572 (cited by Labcorp Genetics (formerly Invitae), Labcorp and Athena Diagnostics); PubMed 21482928 (cited by Labcorp Genetics (formerly Invitae), Labcorp); PubMed 27082848 (cited by Labcorp Genetics (formerly Invitae), Labcorp); PubMed 16950801 (cited by Labcorp Genetics (formerly Invitae), Labcorp).

NM_002087.4(GRN):c.898C>T (p.Gln300Ter)

Gene: GRN (granulin precursor; plus strand). Cytogenetic location: 17q21.31.
Variant type: single nucleotide variant.
Coding change: c.898C>T on transcript NM_002087.4 (MANE Select); coding-DNA position 898, C replaced by T.
Protein change: p.Gln300Ter; replaces glutamine 300 with a stop codon.
Molecular consequence: nonsense.
Genome position (GRCh38, 1-based): chr17:44,351,425, C>T. VCF-style: chr17-44351425-C-T. GRCh37 (hg19) VCF-style: chr17-42428793-C-T.
Other names: short protein forms Q300*.
Identifiers: ClinVar variation 447479 (VCV000447479.51), dbSNP rs1555611253, ClinGen allele CA399764943.